The following is an entry in ClinVar:

NM_000540.3(RYR1):c.5924G>C (p.Ser1975Thr)

Gene: RYR1 (ryanodine receptor 1; plus strand). Cytogenetic location: 19q13.2.
Variant type: single nucleotide variant.
Coding change: c.5924G>C on transcript NM_000540.3 (MANE Select); coding-DNA position 5924, G replaced by C.
Protein change: p.Ser1975Thr; replaces serine 1975 with threonine.
Molecular consequence: missense variant.
Genome position (GRCh38, 1-based): chr19:38,490,185, G>C. VCF-style: chr19-38490185-G-C. GRCh37 (hg19) VCF-style: chr19-38980825-G-C.
Other names: c.5924G>C, p.Ser1975Thr (NM_001042723.2); short protein forms S1975T.
Identifiers: ClinVar variation 1350308 (VCV001350308.8), dbSNP rs1969488865, ClinGen allele CA405660499.

ClinVar aggregate classification (germline): Uncertain significance (1 of 4 stars; one submission).

Conditions:
RYR1-related disorder. Also called: RYR1-related condition; RYR1-related disorders. Identifiers: MedGen CN239331.

Submission:

Labcorp Genetics (formerly Invitae), Labcorp
Classification: Uncertain significance for RYR1-related disorder. Last evaluated: 2023-07-07. Review status: criteria provided, single submitter. Criteria: Invitae Variant Classification Sherloc (09022015). Collection method: clinical testing. Allele origin: germline.
Comment: In summary, the available evidence is currently insufficient to determine the role of this variant in disease. Therefore, it has been classified as a Variant of Uncertain Significance. Advanced modeling of protein sequence and biophysical properties (such as structural, functional, and spatial information, amino acid conservation, physicochemical variation, residue mobility, and thermodynamic stability) performed at Invitae indicates that this missense variant is not expected to disrupt RYR1 protein function. ClinVar contains an entry for this variant (Variation ID: 1350308). This variant has not been reported in the literature in individuals affected with RYR1-related conditions. This variant is not present in population databases (gnomAD no frequency). This sequence change replaces serine, which is neutral and polar, with threonine, which is neutral and polar, at codon 1975 of the RYR1 protein (p.Ser1975Thr).